The following is an entry in ClinVar:

ClinVar aggregate classification (germline): Uncertain significance (1 of 4 stars; one submission).

Conditions:
Fanconi anemia (FA). Also called: Fanconi's anemia. Identifiers: Orphanet 84, MedGen C0015625, MeSH D005199, MONDO:0019391.

Submission:

Labcorp Genetics (formerly Invitae), Labcorp
Classification: Uncertain significance for Fanconi anemia. Last evaluated: 2022-03-28. Review status: criteria provided, single submitter. Criteria: Invitae Variant Classification Sherloc (09022015). Collection method: clinical testing. Allele origin: germline.
Comment: This sequence change replaces arginine, which is basic and polar, with serine, which is neutral and polar, at codon 299 of the FANCC protein (p.Arg299Ser). In summary, the available evidence is currently insufficient to determine the role of this variant in disease. Therefore, it has been classified as a Variant of Uncertain Significance. Algorithms developed to predict the effect of sequence changes on RNA splicing suggest that this variant may disrupt the consensus splice site. Algorithms developed to predict the effect of missense changes on protein structure and function (SIFT, PolyPhen-2, Align-GVGD) all suggest that this variant is likely to be disruptive. This variant has not been reported in the literature in individuals affected with FANCC-related conditions. This variant is not present in population databases (gnomAD no frequency).

NM_000136.3(FANCC):c.897G>C (p.Arg299Ser)

Genes: AOPEP (aminopeptidase O (putative); plus strand), FANCC (FA complementation group C; minus strand). Cytogenetic location: 9q22.32.
Variant type: single nucleotide variant.
Coding change: c.897G>C on transcript NM_000136.3 (MANE Select); coding-DNA position 897, G replaced by C.
Protein change: p.Arg299Ser; replaces arginine 299 with serine.
Molecular consequence: missense variant.
Genome position (GRCh38, 1-based): chr9:95,125,185, C>G on the plus strand (G>C on the coding strand, the complement: FANCC is on the minus strand). VCF-style: chr9-95125185-C-G. GRCh37 (hg19) VCF-style: chr9-97887467-C-G.
Other names: c.897G>C, p.Arg299Ser (NM_001243743.2, NM_001243744.2); short protein forms R299S.
Identifiers: ClinVar variation 2118654 (VCV002118654.4), dbSNP rs759083348, ClinGen allele CA374109036.